The following is an entry in ClinVar:

ClinVar aggregate classification (germline): Conflicting classifications of pathogenicity. Review status: criteria provided, conflicting classifications (1 of 4 stars). 7 submissions from 7 submitters: Uncertain significance (4); Likely benign (2). 1 of the submissions does not count toward it. Last evaluated 2026-01-15.

Conditions:
Cardiovascular phenotype. Identifiers: MedGen CN230736.
Retinal dystrophy. Also called: Inherited retinal dystrophy. Identifiers: Orphanet 71862, MedGen C0854723, MeSH D058499, MONDO:0019118, HP:0000556.
Alstrom syndrome (ALMS). Identifiers: Orphanet 64, MedGen C0268425, MONDO:0008763, OMIM 203800.

Allele frequency attached by ClinVar (database versions not stated): ExAC 0.00006; gnomAD exomes 0.00007; ESP Exome Variant Server 0.00008; gnomAD 0.00009; TOPMed 0.00010.
gnomAD v4.1: 272 of 1,611,524 alleles (0.017%); highest among the groups gnomAD compares: Non-Finnish European, 0.022%; no homozygotes.

Submissions (7):

Labcorp Genetics (formerly Invitae), Labcorp
Classification: Uncertain significance for Alstrom syndrome. Last evaluated: 2026-01-15. Review status: criteria provided, single submitter. Criteria: Invitae Variant Classification Sherloc (09022015). Collection method: clinical testing. Allele origin: germline.
Comment: This sequence change replaces glutamic acid, which is acidic and polar, with aspartic acid, which is acidic and polar, at codon 1357 of the ALMS1 protein (p.Glu1357Asp). This variant is present in population databases (rs376812264, gnomAD 0.01%). This variant has not been reported in the literature in individuals affected with ALMS1-related conditions. ClinVar contains an entry for this variant (Variation ID: 1333038). Experimental studies and prediction algorithms are not available or were not evaluated, and the functional significance of this variant is currently unknown. In summary, the available evidence is currently insufficient to determine the role of this variant in disease. Therefore, it has been classified as a Variant of Uncertain Significance.

Ambry Genetics
Classification: Likely benign for Cardiovascular phenotype. Last evaluated: 2025-10-10. Review status: criteria provided, single submitter. Criteria: Ambry Variant Classification Scheme 2023. Collection method: clinical testing. Allele origin: germline.

GeneDx
Classification: Uncertain significance. Last evaluated: 2025-05-20. Review status: criteria provided, single submitter. Criteria: GeneDx Variant Classification Process June 2021. Collection method: clinical testing. Allele origin: germline. Affected: yes.
Comment: Reported in a patient with left bundle branch block in published literature (PMID: 33835496); Not observed at significant frequency in large population cohorts (gnomAD); In silico analysis suggests that this missense variant does not alter protein structure/function; This variant is associated with the following publications: (PMID: 33835496)

Blueprint Genetics
Classification: Uncertain significance. Last evaluated: 2024-11-06. Review status: criteria provided, single submitter. Criteria: ACMG Guidelines, 2015. Collection method: clinical testing. Allele origin: germline.

CeGaT Center for Human Genetics Tuebingen
Classification: Likely benign. Last evaluated: 2023-02-01. Review status: criteria provided, single submitter. Criteria: CeGaT Center For Human Genetics Tuebingen Variant Classification Criteria Version 2. Collection method: clinical testing. Allele origin: germline. Affected: yes. Observed: 1 variant allele.
Comment: ALMS1: BP4

Fulgent Genetics
Classification: Uncertain significance for Alstrom syndrome. Last evaluated: 2021-12-27. Review status: criteria provided, single submitter. Criteria: ACMG Guidelines, 2015. Collection method: clinical testing. Allele origin: unknown.

Institute of Human Genetics, Univ. Regensburg, Univ. Regensburg
Classification: Uncertain significance for Retinal dystrophy. Last evaluated: 2022-01-01. Review status: no assertion criteria provided. Criteria: ACMG Guidelines, 2015. Collection method: clinical testing. Allele origin: germline. Affected: yes. Not counted in ClinVar's aggregate classification.

NM_001378454.1(ALMS1):c.4068G>C (p.Glu1356Asp)

Gene: ALMS1 (ALMS1 centrosome and basal body associated protein; plus strand). Cytogenetic location: 2p13.1.
Variant type: single nucleotide variant.
Coding change: c.4068G>C on transcript NM_001378454.1 (MANE Select); coding-DNA position 4068, G replaced by C.
Protein change: p.Glu1356Asp; replaces glutamic acid 1356 with aspartic acid.
Molecular consequence: missense variant.
Genome position (GRCh38, 1-based): chr2:73,450,595, G>C. VCF-style: chr2-73450595-G-C. GRCh37 (hg19) VCF-style: chr2-73677722-G-C.
Other names: c.4071G>C, p.Glu1357Asp (NM_015120.4); short protein forms E1356D, E1357D.
Identifiers: ClinVar variation 1333038 (VCV001333038.35), dbSNP rs376812264, ClinGen allele CA1713633.